The following is an entry in ClinVar:

NM_000173.7(GP1BA):c.527T>G (p.Leu176Trp)

Gene: GP1BA (glycoprotein Ib platelet subunit alpha; plus strand). Cytogenetic location: 17p13.2.
Variant type: single nucleotide variant.
Coding change: c.527T>G on transcript NM_000173.7 (MANE Select); coding-DNA position 527, T replaced by G.
Protein change: p.Leu176Trp; replaces leucine 176 with tryptophan.
Molecular consequence: missense variant.
Genome position (GRCh38, 1-based): chr17:4,933,131, T>G. VCF-style: chr17-4933131-T-G. GRCh37 (hg19) VCF-style: chr17-4836426-T-G.
Other names: c.527T>G (NM_000173.6); short protein forms L176W.
Identifiers: ClinVar variation 3582322 (VCV003582322.2).
Genomic context (GRCh38, chr17:4,933,131, plus strand): 5'-CCCCAGGGCTCCTGACGCCCACACCCAAGCTGGAGAAGCTCAGTCTGGCTAACAACAACT[T>G]GACTGAGCTCCCCGCTGGGCTCCTGAATGGGCTGGAGAATCTCGACACCCTTCTCCTCCA-3'
Protein context (NP_000164.5, residues 166-186): LEKLSLANNN[Leu176Trp]TELPAGLLNG

ClinVar aggregate classification (germline): Uncertain significance. Review status: criteria provided, multiple submitters, no conflicts (2 of 4 stars). 2 submissions from 2 submitters: Uncertain significance (2). Last evaluated 2025-03-10.

Conditions:
Nonarteritic anterior ischemic optic neuropathy, susceptibility to (NAION). Also called: NAION, SUSCEPTIBILITY TO; OPTIC NEUROPATHY, ANTERIOR ISCHEMIC, SUSCEPTIBILITY TO. Identifiers: MedGen C1847711, MONDO:0009789, OMIM 258660.
Bernard Soulier syndrome (BSS). Also called: BLEEDING DISORDER, PLATELET-TYPE, 1; Giant platelet disease; GLYCOPROTEIN Ib, PLATELET, DEFICIENCY OF; PLATELET GLYCOPROTEIN Ib DEFICIENCY; VON WILLEBRAND FACTOR RECEPTOR DEFICIENCY; Platelet Glycoprotein 1b, Deficiency of. Identifiers: Orphanet 274, MedGen C0005129, MeSH D001606, MONDO:0009276, OMIM 231200.
Pseudo von Willebrand disease (VWDP). Also called: BLEEDING DISORDER, PLATELET-TYPE, 3; Platelet-type von Willebrand disease. Identifiers: Orphanet 52530, MedGen C1280798, MONDO:0008332, OMIM 177820.
Bernard-Soulier syndrome, type A2, autosomal dominant (BSSA2). Also called: Bernard-Soulier syndrome, type A2 (dominant). Identifiers: Orphanet 274, MedGen C3277076, MONDO:0007930, OMIM 153670.
GP1BA-related disorder. Also called: GP1BA-related condition.

Submissions (2):

PreventionGenetics, part of Exact Sciences
Classification: Uncertain significance for GP1BA-related condition. Last evaluated: 2025-03-10. Review status: criteria provided, single submitter. Criteria: ACMG Guidelines, 2015. Collection method: clinical testing. Allele origin: germline.
Comment: The GP1BA c.527T>G variant is predicted to result in the amino acid substitution p.Leu176Trp. To our knowledge, this variant has not been reported in the literature or in a large population database (gnomAD), indicating it is rare. At this time, the clinical significance of this variant is uncertain due to the absence of conclusive functional and genetic evidence.

Fulgent Genetics
Classification: Uncertain significance for Bernard-Soulier syndrome, type A2, autosomal dominant; Pseudo von Willebrand disease; Bernard Soulier syndrome; Nonarteritic anterior ischemic optic neuropathy, susceptibility to. Last evaluated: 2024-01-15. Review status: criteria provided, single submitter. Criteria: ACMG Guidelines, 2015. Collection method: clinical testing. Allele origin: germline.